The following is an entry in ClinVar:

ClinVar aggregate classification (germline): Uncertain significance. Review status: criteria provided, multiple submitters, no conflicts (2 of 4 stars). 2 submissions from 2 submitters: Uncertain significance (2). Last evaluated 2024-11-20.

Conditions:
Tietz syndrome (TADS). Also called: ALBINISM-DEAFNESS OF TIETZ; HYPOPIGMENTATION/DEAFNESS OF TIETZ; TIETZ ALBINISM-DEAFNESS SYNDROME. Identifiers: Orphanet 42665, MedGen C0391816, MONDO:0007077, OMIM 103500.
Waardenburg syndrome type 2A (WS2A). Also called: WAARDENBURG SYNDROME WITHOUT DYSTOPIA CANTHORUM. Identifiers: Orphanet 3440, MedGen C1860339, MONDO:0008671, OMIM 193510.
Melanoma, cutaneous malignant, susceptibility to, 8. Also called: MELANOMA AND RENAL CELL CARCINOMA, SUSCEPTIBILITY TO; Cutaneous malignant melanoma 8. Identifiers: Orphanet 293822, MedGen C3152204, MONDO:0013759, OMIM 614456.

Allele frequency attached by ClinVar (database versions not stated): gnomAD exomes 0.00001.
gnomAD v4.1: 4 of 1,613,390 alleles (0.00025%); highest among the groups gnomAD compares: Non-Finnish European, 0.00034%; no homozygotes.

Submissions (2):

Labcorp Genetics (formerly Invitae), Labcorp
Classification: Uncertain significance for Melanoma, cutaneous malignant, susceptibility to, 8; Waardenburg syndrome type 2A; Tietz syndrome. Last evaluated: 2024-11-20. Review status: criteria provided, single submitter. Criteria: Invitae Variant Classification Sherloc (09022015). Collection method: clinical testing. Allele origin: germline.
Comment: This sequence change replaces glycine, which is neutral and non-polar, with glutamic acid, which is acidic and polar, at codon 152 of the MITF protein (p.Gly152Glu). This variant is present in population databases (no rsID available, gnomAD 0.0009%). This variant has not been reported in the literature in individuals affected with MITF-related conditions. ClinVar contains an entry for this variant (Variation ID: 2938043). Invitae Evidence Modeling of protein sequence and biophysical properties (such as structural, functional, and spatial information, amino acid conservation, physicochemical variation, residue mobility, and thermodynamic stability) indicates that this missense variant is not expected to disrupt MITF protein function with a negative predictive value of 80%. In summary, the available evidence is currently insufficient to determine the role of this variant in disease. Therefore, it has been classified as a Variant of Uncertain Significance.

GeneDx
Classification: Uncertain significance. Last evaluated: 2024-01-07. Review status: criteria provided, single submitter. Criteria: GeneDx Variant Classification Process June 2021. Collection method: clinical testing. Allele origin: germline. Affected: yes.
Comment: In silico analysis supports that this missense variant has a deleterious effect on protein structure/function; Has not been previously published as pathogenic or benign to our knowledge

NM_001354604.2(MITF):c.776G>A (p.Gly259Glu)

Gene: MITF (melanocyte inducing transcription factor; plus strand). Cytogenetic location: 3p13.
Variant type: single nucleotide variant.
Coding change: c.776G>A on transcript NM_001354604.2 (MANE Select); coding-DNA position 776, G replaced by A.
Protein change: p.Gly259Glu; replaces glycine 259 with glutamic acid.
Molecular consequence: missense variant.
Genome position (GRCh38, 1-based): chr3:69,949,064, G>A. VCF-style: chr3-69949064-G-A. GRCh37 (hg19) VCF-style: chr3-69998215-G-A.
Other names: c.455G>A, p.Gly152Glu (NM_000248.4, NM_198158.3); c.620G>A, p.Gly207Glu (NM_001184967.2, NM_001354608.2); c.773G>A, p.Gly258Glu (NM_001354605.2, NM_001354606.2, NM_006722.3); c.725G>A, p.Gly242Glu (NM_001354607.2); c.776G>A, p.Gly259Glu (NM_198159.3); c.728G>A, p.Gly243Glu (NM_198177.3); c.287G>A, p.Gly96Glu (NM_198178.3); short protein forms G242E, G243E, G152E, G207E, G258E, G259E, G96E.
Identifiers: ClinVar variation 2938043 (VCV002938043.4), dbSNP rs1246695187, ClinGen allele CA353561265.